The following is an entry in ClinVar:

NM_000391.4(TPP1):c.1450A>C (p.Ile484Leu)

Gene: TPP1 (tripeptidyl peptidase 1; minus strand). Cytogenetic location: 11p15.4.
Variant type: single nucleotide variant.
Coding change: c.1450A>C on transcript NM_000391.4 (MANE Select); coding-DNA position 1450, A replaced by C.
Protein change: p.Ile484Leu; replaces isoleucine 484 with leucine.
Molecular consequence: missense variant.
Genome position (GRCh38, 1-based): chr11:6,614,967, T>G on the plus strand (A>C on the coding strand, the complement: TPP1 is on the minus strand). VCF-style: chr11-6614967-T-G. GRCh37 (hg19) VCF-style: chr11-6636198-T-G.
Other names: short protein forms I484L.
Identifiers: ClinVar variation 1504079 (VCV001504079.8), dbSNP rs1564854194, ClinGen allele CA379472448.

ClinVar aggregate classification (germline): Uncertain significance (1 of 4 stars; one submission).

Allele frequency attached by ClinVar (database versions not stated): gnomAD exomes below 0.00001.

Submission:

Labcorp Genetics (formerly Invitae), Labcorp
Classification: Uncertain significance. Last evaluated: 2022-07-12. Review status: criteria provided, single submitter. Criteria: Invitae Variant Classification Sherloc (09022015). Collection method: clinical testing. Allele origin: germline.
Comment: This sequence change replaces isoleucine, which is neutral and non-polar, with leucine, which is neutral and non-polar, at codon 484 of the TPP1 protein (p.Ile484Leu). This variant is present in population databases (no rsID available, gnomAD 0.003%). This variant has not been reported in the literature in individuals affected with TPP1-related conditions. ClinVar contains an entry for this variant (Variation ID: 1504079). Advanced modeling of protein sequence and biophysical properties (such as structural, functional, and spatial information, amino acid conservation, physicochemical variation, residue mobility, and thermodynamic stability) performed at Invitae indicates that this missense variant is not expected to disrupt TPP1 protein function. In summary, the available evidence is currently insufficient to determine the role of this variant in disease. Therefore, it has been classified as a Variant of Uncertain Significance.